The following is an entry in ClinVar:

ClinVar aggregate classification (germline): Uncertain significance (1 of 4 stars; one submission).

Conditions:
Hereditary sensory and autonomic neuropathy type 6. Also called: Neuropathy, hereditary sensory and autonomic, type VI; HSAN VI. Identifiers: Orphanet 314381, MedGen C3539003, MONDO:0013839, OMIM 614653.
Epidermolysis bullosa simplex 3, localized or generalized intermediate, with BP230 deficiency (EBS3). Also called: Epidermolysis bullosa simplex, autosomal recessive 2; Epidermolysis bullosa simplex due to BP230 deficiency. Identifiers: Orphanet 412181, MedGen C3809470, MONDO:0014180, OMIM 615425.

Allele frequency attached by ClinVar (database versions not stated): ExAC 0.00001; gnomAD 0.00001; gnomAD exomes 0.00001 and 0.00004.
gnomAD v4.1: 55 of 1,613,906 alleles (0.0034%); highest among the groups gnomAD compares: Non-Finnish European, 0.0044%; no homozygotes.

Submission:

Labcorp Genetics (formerly Invitae), Labcorp
Classification: Uncertain significance for Epidermolysis bullosa simplex 3, localized or generalized intermediate, with BP230 deficiency; Hereditary sensory and autonomic neuropathy type 6. Last evaluated: 2021-10-14. Review status: criteria provided, single submitter. Criteria: Invitae Variant Classification Sherloc (09022015). Collection method: clinical testing. Allele origin: germline.
Comment: This sequence change replaces glutamic acid with aspartic acid at codon 1630 of the DST protein (p.Glu1630Asp). The glutamic acid residue is weakly conserved and there is a small physicochemical difference between glutamic acid and aspartic acid. This variant is present in population databases (rs753178315, ExAC 0.001%). This variant has not been reported in the literature in individuals affected with DST-related conditions. Algorithms developed to predict the effect of missense changes on protein structure and function are either unavailable or do not agree on the potential impact of this missense change (SIFT: "Tolerated"; PolyPhen-2: "Probably Damaging"; Align-GVGD: "Class C0"). In summary, the available evidence is currently insufficient to determine the role of this variant in disease. Therefore, it has been classified as a Variant of Uncertain Significance.

NM_001723.7(DST):c.4890A>C (p.Glu1630Asp)

Gene: DST (dystonin; minus strand). Cytogenetic location: 6p12.1.
Variant type: single nucleotide variant.
Coding change: c.4890A>C on transcript NM_001723.7 (MANE Plus Clinical); coding-DNA position 4890, A replaced by C.
Protein change: p.Glu1630Asp; replaces glutamic acid 1630 with aspartic acid.
Molecular consequence: missense variant. On other transcripts: intron variant (10).
Genome position (GRCh38, 1-based): chr6:56,619,144, T>G on the plus strand (A>C on the coding strand, the complement: DST is on the minus strand). VCF-style: chr6-56619144-T-G. GRCh37 (hg19) VCF-style: chr6-56483942-T-G.
Other names: c.4831-4660A>C (NM_001144769.5); c.4930-4660A>C (NM_001374722.1, NM_001374736.1); c.4957-4660A>C (NM_001374734.1); c.4417-4660A>C (NM_001144770.2); c.4297-4660A>C (NM_001374730.1, NM_001386100.1, NM_183380.4 and 1 more transcripts); c.3319-4660A>C (NM_015548.5); short protein forms E1630D.
Identifiers: ClinVar variation 836734 (VCV000836734.5), dbSNP rs753178315, ClinGen allele CA3870458.